The following is an entry in ClinVar:

NM_001288705.3(CSF1R):c.805G>T (p.Asp269Tyr)

Gene: CSF1R (colony stimulating factor 1 receptor; minus strand). Cytogenetic location: 5q32.
Variant type: single nucleotide variant.
Coding change: c.805G>T on transcript NM_001288705.3 (MANE Select); coding-DNA position 805, G replaced by T.
Protein change: p.Asp269Tyr; replaces aspartic acid 269 with tyrosine.
Molecular consequence: missense variant. On other transcripts: non-coding transcript variant (2).
Genome position (GRCh38, 1-based): chr5:150,077,360, C>A on the plus strand (G>T on the coding strand, the complement: CSF1R is on the minus strand). VCF-style: chr5-150077360-C-A. GRCh37 (hg19) VCF-style: chr5-149456923-C-A.
Other names: c.805G>T, p.Asp269Tyr (NM_001349736.2, NM_001375320.1, NM_005211.4); c.361G>T, p.Asp121Tyr (NM_001375321.1); short protein forms D121Y, D269Y.
Identifiers: ClinVar variation 3635555 (VCV003635555.2).

ClinVar aggregate classification (germline): Uncertain significance (1 of 4 stars; one submission).

gnomAD v4.1: 1 of 1,614,216 alleles (0.000062%); highest among the groups gnomAD compares: Admixed American, 0.0017%; no homozygotes.

Submission:

Labcorp Genetics (formerly Invitae), Labcorp
Classification: Uncertain significance. Last evaluated: 2024-10-16. Review status: criteria provided, single submitter. Criteria: Invitae Variant Classification Sherloc (09022015). Collection method: clinical testing. Allele origin: germline.
Comment: This sequence change replaces aspartic acid, which is acidic and polar, with tyrosine, which is neutral and polar, at codon 269 of the CSF1R protein (p.Asp269Tyr). This variant is present in population databases (rs747958886, gnomAD 0.003%). This variant has not been reported in the literature in individuals affected with CSF1R-related conditions. Invitae Evidence Modeling of protein sequence and biophysical properties (such as structural, functional, and spatial information, amino acid conservation, physicochemical variation, residue mobility, and thermodynamic stability) indicates that this missense variant is not expected to disrupt CSF1R protein function with a negative predictive value of 95%. In summary, the available evidence is currently insufficient to determine the role of this variant in disease. Therefore, it has been classified as a Variant of Uncertain Significance.